The following is an entry in ClinVar:

NM_000267.3:c.8128_8129insALU

Gene: NF1 (neurofibromin 1; plus strand).
Variant type: Insertion.
Identifiers: ClinVar variation 4615785 (VCV004615785.1).

ClinVar aggregate classification (germline): Likely pathogenic (1 of 4 stars; one submission).

Conditions:
Cardiovascular phenotype. Identifiers: MedGen CN230736.
Hereditary cancer-predisposing syndrome. Also called: Neoplastic Syndromes, Hereditary; Tumor predisposition; Hereditary Cancer Syndrome; Hereditary neoplastic syndrome. Identifiers: Orphanet 140162, MedGen C0027672, MeSH D009386, MONDO:0015356.

Submission:

Ambry Genetics
Classification: Likely pathogenic for Cardiovascular phenotype; Hereditary cancer-predisposing syndrome. Last evaluated: 2025-11-06. Review status: criteria provided, single submitter. Criteria: Ambry Variant Classification Scheme 2023. Collection method: clinical testing. Allele origin: germline.
Comment: The c.8128_8129insAlu variant results from the insertion of an Alu element between nucleotides 8128 and 8129 in coding exon 56 of the NF1 gene. This variant was reported in individual(s) with features consistent with neurofibromatosis type 1 (Ambry internal data). Mobile element insertions contribute to pathogenicity by either disrupting the coding sequence or inducing aberrant splicing (Belancio VP et al. Semin. Cancer Biol. 2010 Aug;20:200-10; Deininger P et al. Genome Biol. 2011 Dec;12:236; van der Klift HM Hum Mutat. 2012 Jul;33(7):1051-5). Based on the majority of available evidence to date, this variant is likely to be pathogenic.